The following is an entry in ClinVar:

ClinVar aggregate classification (germline): Uncertain significance (1 of 4 stars; one submission).

Conditions:
Hereditary cancer-predisposing syndrome. Also called: Tumor predisposition; Hereditary Cancer Syndrome; Hereditary neoplastic syndrome; Neoplastic Syndromes, Hereditary. Identifiers: Orphanet 140162, MedGen C0027672, MeSH D009386, MONDO:0015356.

Submission:

Ambry Genetics
Classification: Uncertain significance for Hereditary cancer-predisposing syndrome. Last evaluated: 2025-10-10. Review status: criteria provided, single submitter. Criteria: Ambry Variant Classification Scheme 2023. Collection method: clinical testing. Allele origin: germline.
Comment: The p.E590K variant (also known as c.1768G>A), located in coding exon 10 of the SMARCA4 gene, results from a G to A substitution at nucleotide position 1768. The glutamic acid at codon 590 is replaced by lysine, an amino acid with similar properties. This amino acid position is conserved. In addition, this alteration is predicted to be tolerated by in silico analysis. Based on the available evidence, the clinical significance of this variant remains unclear.

NM_003072.5(SMARCA4):c.1768G>A (p.Glu590Lys)

Gene: SMARCA4 (SWI/SNF related BAF chromatin remodeling complex subunit ATPase 4; plus strand). Cytogenetic location: 19p13.2.
Variant type: single nucleotide variant.
Coding change: c.1768G>A on transcript NM_003072.5 (MANE Select); coding-DNA position 1768, G replaced by A.
Protein change: p.Glu590Lys; replaces glutamic acid 590 with lysine.
Molecular consequence: missense variant. On other transcripts: non-coding transcript variant (1).
Genome position (GRCh38, 1-based): chr19:10,996,500, G>A. VCF-style: chr19-10996500-G-A. GRCh37 (hg19) VCF-style: chr19-11107176-G-A.
Other names: c.1768G>A, p.Glu590Lys (NM_001128844.3, NM_001128845.2, NM_001128846.2 and 6 more transcripts); short protein forms E590K.
Identifiers: ClinVar variation 4549332 (VCV004549332.1).